The following is an entry in ClinVar:

NM_018344.6(SLC29A3):c.571G>A (p.Gly191Ser)

Gene: SLC29A3 (solute carrier family 29 member 3; plus strand). Cytogenetic location: 10q22.1.
Variant type: single nucleotide variant.
Coding change: c.571G>A on transcript NM_018344.6 (MANE Select); coding-DNA position 571, G replaced by A.
Protein change: p.Gly191Ser; replaces glycine 191 with serine.
Molecular consequence: missense variant. On other transcripts: non-coding transcript variant (1).
Genome position (GRCh38, 1-based): chr10:71,351,749, G>A. VCF-style: chr10-71351749-G-A. GRCh37 (hg19) VCF-style: chr10-73111506-G-A.
Other names: c.571G>A, p.Gly191Ser (NM_001174098.2); c.337G>A, p.Gly113Ser (NM_001363518.2); c.571G>A (NM_018344.5); short protein forms G113S, G191S.
Identifiers: ClinVar variation 1443921 (VCV001443921.7), dbSNP rs770328093, ClinGen allele CA5542962.
Genomic context (GRCh38, chr10:71,351,749, plus strand): 5'-TGCATGGTGATCCTCAGCGGTGCCTCCACTGTCTTCAGCAGCAGCATCTACGGCATGACC[G>A]GCTCCTTTCCTATGAGGAACTCCCAGGCACTGATATCAGGTGAGAGCCAGGGTCCGGGCA-3'
Protein context (NP_060814.4, residues 181-201): VFSSSIYGMT[Gly191Ser]SFPMRNSQAL

ClinVar aggregate classification (germline): Uncertain significance. Review status: criteria provided, multiple submitters, no conflicts (2 of 4 stars). 2 submissions from 2 submitters: Uncertain significance (2). Last evaluated 2025-01-21.

Conditions:
H syndrome. Also called: HISTIOCYTOSIS AND LYMPHADENOPATHY WITH OR WITHOUT CUTANEOUS, CARDIAC, AND/OR ENDOCRINE FEATURES, JOINT CONTRACTURES, AND/OR DEAFNESS; HYPERPIGMENTATION, CUTANEOUS, WITH HYPERTRICHOSIS, HEPATOSPLENOMEGALY, HEART ANOMALIES, AND HYPOGONADISM WITH OR WITHOUT HEARING LOSS; PIGMENTED HYPERTRICHOSIS WITH INSULIN-DEPENDENT DIABETES MELLITUS; Asrar Facharzt Haque syndrome; Pigmented hypertrichosis and insulin-dependent diabetes mellitus; ROSAI-DORFMAN DISEASE, FAMILIAL. Identifiers: Orphanet 168569, MedGen C1864445, MONDO:0011273, OMIM 602782.
Inborn genetic diseases. Identifiers: MedGen C0950123, MeSH D030342.

Allele frequency attached by ClinVar (database versions not stated): gnomAD 0.00001; TOPMed 0.00002.

Submissions (2):

Ambry Genetics
Classification: Uncertain significance for Inborn genetic diseases. Last evaluated: 2025-01-21. Review status: criteria provided, single submitter. Criteria: Ambry Variant Classification Scheme 2023. Collection method: clinical testing. Allele origin: germline.

Labcorp Genetics (formerly Invitae), Labcorp
Classification: Uncertain significance for H syndrome. Last evaluated: 2024-02-24. Review status: criteria provided, single submitter. Criteria: Invitae Variant Classification Sherloc (09022015). Collection method: clinical testing. Allele origin: germline.
Comment: This sequence change replaces glycine, which is neutral and non-polar, with serine, which is neutral and polar, at codon 191 of the SLC29A3 protein (p.Gly191Ser). This variant is present in population databases (rs770328093, gnomAD 0.005%). This variant has not been reported in the literature in individuals affected with SLC29A3-related conditions. ClinVar contains an entry for this variant (Variation ID: 1443921). Advanced modeling of protein sequence and biophysical properties (such as structural, functional, and spatial information, amino acid conservation, physicochemical variation, residue mobility, and thermodynamic stability) has been performed at Invitae for this missense variant, however the output from this modeling did not meet the statistical confidence thresholds required to predict the impact of this variant on SLC29A3 protein function. In summary, the available evidence is currently insufficient to determine the role of this variant in disease. Therefore, it has been classified as a Variant of Uncertain Significance.